The following is an entry in ClinVar:

ClinVar aggregate classification (germline): Benign/Likely benign. Review status: criteria provided, multiple submitters, no conflicts (2 of 4 stars). 4 submissions from 3 submitters: Benign (2); Likely benign (1). 1 of the submissions does not count toward it. Last evaluated 2023-01-01.

Conditions:
Tuberous sclerosis syndrome (TSC). Also called: Tuberous Sclerosis Complex; Tuberous sclerosis. Identifiers: Orphanet 805, MedGen C0041341, MONDO:0001734.
Isolated focal cortical dysplasia type II (FCORD2). Also called: CORTICAL DYSPLASIA OF TAYLOR; Focal cortical dysplasia type II. Identifiers: Orphanet 268994, MedGen C1846385, MONDO:0011818, OMIM 607341, HP:0032051.
Tuberous sclerosis 1 (TSC1). Identifiers: Orphanet 805, MedGen C1854465, MONDO:0008612, OMIM 191100.

Allele frequency attached by ClinVar (database versions not stated): TOPMed 0.00060; gnomAD 0.00066 and 0.00068; gnomAD exomes 0.00085; 1000 Genomes Project 30x 0.00109; 1000 Genomes Project 0.00120.
gnomAD v4.1: 290 of 376,394 alleles (0.077%); highest among the groups gnomAD compares: Non-Finnish European, 0.11%; 1 homozygote.

Submissions (4):

CeGaT Center for Human Genetics Tuebingen
Classification: Likely benign. Last evaluated: 2023-01-01. Review status: criteria provided, single submitter. Criteria: CeGaT Center For Human Genetics Tuebingen Variant Classification Criteria Version 2. Collection method: clinical testing. Allele origin: germline. Affected: yes. Observed: 3 variant alleles.
Comment: TSC1: BS1

Illumina Laboratory Services, Illumina
Classification: Benign for Isolated focal cortical dysplasia type II. Last evaluated: 2018-01-13. Review status: criteria provided, single submitter. Criteria: ICSL Variant Classification Criteria 13 December 2019. Collection method: clinical testing. Allele origin: germline.
Comment: This variant was observed in the ICSL laboratory as part of a predisposition screen in an ostensibly healthy population. It had not been previously curated by ICSL or reported in the Human Gene Mutation Database (HGMD: prior to June 1st, 2018), and was therefore a candidate for classification through an automated scoring system. Utilizing variant allele frequency, disease prevalence and penetrance estimates, and inheritance mode, an automated score was calculated to assess if this variant is too frequent to cause the disease. Based on the score and internal cut-off values, a variant classified as benign is not then subjected to further curation. The score for this variant resulted in a classification of benign for this disease.

Illumina Laboratory Services, Illumina
Classification: Benign for Tuberous sclerosis 1. Last evaluated: 2018-01-13. Review status: criteria provided, single submitter. Criteria: ICSL Variant Classification Criteria 13 December 2019. Collection method: clinical testing. Allele origin: germline.
Comment: the same text as in the submission from Illumina Laboratory Services, Illumina above.

Tuberous sclerosis database (TSC1)
No classification provided. Condition: TSC. Review status: no classification provided. Criteria: Tuberous Sclerosis Database Assertion Criteria 2015. Collection method: curation. Allele origin: germline. Affected: yes. Not counted in ClinVar's aggregate classification.

NM_000368.5(TSC1):c.*358C>T

Gene: TSC1 (TSC complex subunit 1; minus strand). Cytogenetic location: 9q34.13.
Variant type: single nucleotide variant.
Coding change: c.*358C>T on transcript NM_000368.5 (MANE Select); 358 bases downstream of the stop codon, C replaced by T.
Molecular consequence: 3 prime UTR variant.
Genome position (GRCh38, 1-based): chr9:132,895,877, G>A on the plus strand (C>T on the coding strand, the complement: TSC1 is on the minus strand). VCF-style: chr9-132895877-G-A. GRCh37 (hg19) VCF-style: chr9-135771264-G-A.
Other names: c.*358C>T (NM_001162426.2, NM_001162427.2, NM_001362177.2).
Identifiers: ClinVar variation 64740 (VCV000064740.30), dbSNP rs147729052, ClinGen allele CA007402.